The following is an entry in ClinVar:

NM_016151.4(TAOK2):c.3293G>A (p.Arg1098Gln)

Gene: TAOK2 (TAO kinase 2; plus strand). Cytogenetic location: 16p11.2.
Variant type: single nucleotide variant.
Coding change: c.3293G>A on transcript NM_016151.4 (MANE Select); coding-DNA position 3293, G replaced by A.
Protein change: p.Arg1098Gln; replaces arginine 1098 with glutamine.
Molecular consequence: missense variant. On other transcripts: intron variant (1).
Genome position (GRCh38, 1-based): chr16:29,987,565, G>A. VCF-style: chr16-29987565-G-A. GRCh37 (hg19) VCF-style: chr16-29998886-G-A.
Other names: c.2954G>A, p.Arg985Gln (NM_001252043.2); c.2232+1061G>A (NM_004783.4); c.3293G>A (NM_016151.2); short protein forms R985Q, R1098Q.
Identifiers: ClinVar variation 1493968 (VCV001493968.10), dbSNP rs970207198, ClinGen allele CA280400868.

ClinVar aggregate classification (germline): Uncertain significance. Review status: criteria provided, multiple submitters, no conflicts (2 of 4 stars). 2 submissions from 2 submitters: Uncertain significance (2). Last evaluated 2025-06-22.

Allele frequency attached by ClinVar (database versions not stated): gnomAD exomes 0.00001 and 0.00002; gnomAD 0.00002; TOPMed 0.00002.

Submissions (2):

Labcorp Genetics (formerly Invitae), Labcorp
Classification: Uncertain significance. Last evaluated: 2025-06-22. Review status: criteria provided, single submitter. Criteria: Invitae Variant Classification Sherloc (09022015). Collection method: clinical testing. Allele origin: germline.
Comment: This sequence change replaces arginine, which is basic and polar, with glutamine, which is neutral and polar, at codon 1098 of the TAOK2 protein (p.Arg1098Gln). This variant is present in population databases (no rsID available, gnomAD 0.01%). This variant has not been reported in the literature in individuals affected with TAOK2-related conditions. ClinVar contains an entry for this variant (Variation ID: 1493968). An algorithm developed to predict the effect of missense changes on protein structure and function (PolyPhen-2) suggests that this variant is likely to be tolerated. In summary, the available evidence is currently insufficient to determine the role of this variant in disease. Therefore, it has been classified as a Variant of Uncertain Significance.

Ambry Genetics
Classification: Uncertain significance. Last evaluated: 2021-07-26. Review status: criteria provided, single submitter. Criteria: Ambry Variant Classification Scheme 2023. Collection method: clinical testing. Allele origin: germline.